The following is an entry in ClinVar:

ClinVar aggregate classification (germline): Uncertain significance (1 of 4 stars; one submission).

Conditions:
Neuropathy, hereditary sensory and autonomic, type 2A (HSAN2A). Also called: ACROOSTEOLYSIS, GIACCAI TYPE; ACROOSTEOLYSIS, NEUROGENIC; MORVAN DISEASE; NEUROPATHY, CONGENITAL SENSORY; NEUROPATHY, HEREDITARY SENSORY RADICULAR, AUTOSOMAL RECESSIVE; NEUROPATHY, HEREDITARY SENSORY, TYPE IIA. Identifiers: Orphanet 970, MedGen C2752089, MONDO:0024309, OMIM 201300.
Pseudohypoaldosteronism type 2C (PHA2C). Also called: Pseudohypoaldosteronism Type IIC. Identifiers: Orphanet 757, Orphanet 88940, MedGen C1840391, MONDO:0013778, OMIM 614492.

Allele frequency attached by ClinVar (database versions not stated): gnomAD exomes below 0.00001; TOPMed below 0.00001; ExAC 0.00001; gnomAD 0.00001.
gnomAD v4.1: 4 of 1,614,088 alleles (0.00025%); highest among the groups gnomAD compares: Non-Finnish European, 0.00034%; no homozygotes.

Submission:

Labcorp Genetics (formerly Invitae), Labcorp
Classification: Uncertain significance for Neuropathy, hereditary sensory and autonomic, type 2A; Pseudohypoaldosteronism type 2C. Last evaluated: 2023-02-22. Review status: criteria provided, single submitter. Criteria: Invitae Variant Classification Sherloc (09022015). Collection method: clinical testing. Allele origin: germline.
Comment: Advanced modeling of protein sequence and biophysical properties (such as structural, functional, and spatial information, amino acid conservation, physicochemical variation, residue mobility, and thermodynamic stability) performed at Invitae indicates that this missense variant is not expected to disrupt WNK1 protein function. This variant has not been reported in the literature in individuals affected with WNK1-related conditions. This variant is present in population databases (rs760167067, gnomAD 0.0009%). This sequence change replaces valine, which is neutral and non-polar, with alanine, which is neutral and non-polar, at codon 1303 of the WNK1 protein (p.Val1303Ala). In summary, the available evidence is currently insufficient to determine the role of this variant in disease. Therefore, it has been classified as a Variant of Uncertain Significance.

NM_018979.4(WNK1):c.3152T>C (p.Val1051Ala)

Gene: WNK1 (WNK lysine deficient protein kinase 1; plus strand). Cytogenetic location: 12p13.33.
Variant type: single nucleotide variant.
Coding change: c.3152T>C on transcript NM_018979.4 (MANE Select); coding-DNA position 3152, T replaced by C.
Protein change: p.Val1051Ala; replaces valine 1051 with alanine.
Molecular consequence: missense variant.
Genome position (GRCh38, 1-based): chr12:881,732, T>C. VCF-style: chr12-881732-T-C. GRCh37 (hg19) VCF-style: chr12-990898-T-C.
Other names: c.3932T>C, p.Val1311Ala (NM_001184985.2); c.2411T>C, p.Val804Ala (NM_014823.3); c.3908T>C, p.Val1303Ala (NM_213655.5); short protein forms V1303A, V1051A, V804A, V1311A.
Identifiers: ClinVar variation 2947662 (VCV002947662.3), dbSNP rs760167067, ClinGen allele CA6382675.
Genomic context (GRCh38, chr12:881,732, plus strand): 5'-GTTATCTTTTCGATTCACAGAGTACTCAGGGAGTCTCTCAGGTTGCTCCTGCAGAGCCAG[T>C]TGCAGTAGCACAGACCCAAGCTACCCAGCCGACCACTTTGGCTTCCTCTGTAGACAGGTA-3'
Protein context (NP_061852.3, residues 1041-1061): GVSQVAPAEP[Val1051Ala]AVAQTQATQP